The following is an entry in ClinVar:

NM_000465.4(BARD1):c.1172C>G (p.Ser391Ter)

Gene: BARD1 (BRCA1 associated RING domain 1; minus strand). Cytogenetic location: 2q35.
Variant type: single nucleotide variant.
Coding change: c.1172C>G on transcript NM_000465.4 (MANE Select); coding-DNA position 1172, C replaced by G.
Protein change: p.Ser391Ter; replaces serine 391 with a stop codon.
Molecular consequence: nonsense. On other transcripts: non-coding transcript variant (2), intron variant (3).
Genome position (GRCh38, 1-based): chr2:214,780,702, G>C on the plus strand (C>G on the coding strand, the complement: BARD1 is on the minus strand). VCF-style: chr2-214780702-G-C. GRCh37 (hg19) VCF-style: chr2-215645426-G-C.
Other names: c.1115C>G, p.Ser372Ter (NM_001282543.2); c.159-28147C>G (NM_001282548.2); c.215+16359C>G (NM_001282545.2); c.364+11595C>G (NM_001282549.2); short protein forms S391*, S372*.
Identifiers: ClinVar variation 237814 (VCV000237814.12), dbSNP rs878853995, ClinGen allele CA10581931.

ClinVar aggregate classification (germline): Pathogenic/Likely pathogenic. Review status: criteria provided, multiple submitters, no conflicts (2 of 4 stars). 3 submissions from 3 submitters: Pathogenic (2); Likely pathogenic (1). Last evaluated 2025-05-28.

Conditions:
Hereditary cancer-predisposing syndrome. Also called: Neoplastic Syndromes, Hereditary; Hereditary neoplastic syndrome; Tumor predisposition; Hereditary Cancer Syndrome. Identifiers: Orphanet 140162, MedGen C0027672, MeSH D009386, MONDO:0015356.
Familial cancer of breast. Also called: BREAST CANCER, FAMILIAL; hereditary breast carcinoma; Hereditary breast cancer. Identifiers: Orphanet 227535, MedGen C0346153, MONDO:0016419, OMIM 114480. Disease mechanism: loss of function.

Submissions (3):

Molecular Diagnostics Laboratory, Catalan Institute of Oncology
Classification: Likely pathogenic for Hereditary cancer-predisposing syndrome. Last evaluated: 2025-05-28. Review status: criteria provided, single submitter. Criteria: ACMG Guidelines, 2015. Collection method: clinical testing. Allele origin: germline.
Comment: PVS1, PM2_Supporting c.1172C>G, located in exon 4 of the BARD1 gene, is a nonsense variant expected to result in loss of function by premature protein truncation and nonsense-mediated mRNA decay (PVS1). It is not present in the population database gnomAD v2.1.1, non cancer dataset (PM2_Supporting). No effect is predicted on splicing by SpliceAI. To our knowledge, neither relevant clinical data nor well-stablished functional studies have been reported for this variant. It has only been reported twice in ClinVar, as a pathogenic variant. Based on the currently available information, c. 1172C>G is classified as a likely pathogenic variant according to ACMG guidelines.

Labcorp Genetics (formerly Invitae), Labcorp
Classification: Pathogenic for Familial cancer of breast. Last evaluated: 2023-10-13. Review status: criteria provided, single submitter. Criteria: Invitae Variant Classification Sherloc (09022015). Collection method: clinical testing. Allele origin: germline.
Comment: This sequence change creates a premature translational stop signal (p.Ser391*) in the BARD1 gene. It is expected to result in an absent or disrupted protein product. Loss-of-function variants in BARD1 are known to be pathogenic (PMID: 20077502, 21344236). This variant is not present in population databases (gnomAD no frequency). This variant has not been reported in the literature in individuals affected with BARD1-related conditions. ClinVar contains an entry for this variant (Variation ID: 237814). For these reasons, this variant has been classified as Pathogenic.

Color Diagnostics, LLC DBA Color Health
Classification: Pathogenic for Hereditary cancer-predisposing syndrome. Last evaluated: 2023-08-28. Review status: criteria provided, single submitter. Criteria: ACMG Guidelines, 2015. Collection method: clinical testing. Allele origin: germline.
Comment: This variant changes 1 nucleotide in exon 4 of the BARD1 gene, creating a premature translation stop signal. This variant is expected to result in an absent or non-functional protein product. This variant has been reported in an individual affected with lung cancer (PMID: 35273153). This variant has not been identified in the general population by the Genome Aggregation Database (gnomAD). Loss of BARD1 function is a known mechanism of disease. Based on the available evidence, this variant is classified as Pathogenic.

Literature cited by the submitters: PubMed 20077502 (cited by Labcorp Genetics (formerly Invitae), Labcorp); PubMed 21344236 (cited by Labcorp Genetics (formerly Invitae), Labcorp); PubMed 35273153 (cited by Color Diagnostics, LLC DBA Color Health).